The following is an entry in ClinVar:

NM_003051.4(SLC16A1):c.901_904del (p.Leu301fs)

Gene: SLC16A1 (solute carrier family 16 member 1; minus strand). Cytogenetic location: 1p13.2.
Variant type: Microsatellite.
Coding change: c.901_904del on transcript NM_003051.4 (MANE Select); coding-DNA positions 901 to 904, 4 bases deleted (CTTC; older notation c.901_904delCTTC).
Protein change: p.Leu301fs; shifts the reading frame from leucine 301.
Molecular consequence: frameshift variant.
Genome position (GRCh38, 1-based): chr1:112,917,502-112,917,505, GAAG deleted on the plus strand (CTTC on the coding strand, the reverse complement: SLC16A1 is on the minus strand); deleting any 4 consecutive bases within chr1:112,917,502-112,917,510 gives the same sequence; the c. name uses the placement nearest the transcript's 3' end. VCF-style (leftmost placement, unchanged base first): chr1-112917501-AGAAG-A. GRCh37 (hg19) VCF-style: chr1-113460123-AGAAG-A.
Other names: c.901_904del, p.Leu301fs (NM_001166496.2); short protein forms L301fs.
Identifiers: ClinVar variation 3765714 (VCV003765714.1).

ClinVar aggregate classification (germline): Uncertain significance (1 of 4 stars; one submission).

Submission:

Greenwood Genetic Center Diagnostic Laboratories, Greenwood Genetic Center
Classification: Uncertain significance. Last evaluated: 2024-10-18. Review status: criteria provided, single submitter. Criteria: ACMG Guidelines, 2015. Collection method: clinical testing. Allele origin: germline. Affected: yes.
Comment: Gene of Uncertain Significance